The following is an entry in ClinVar:

ClinVar aggregate classification (germline): Uncertain significance (1 of 4 stars; one submission).

Conditions:
Hyperkalemic periodic paralysis. Also called: Familial hyperkalemic periodic paralysis; Gamstorp disease. Identifiers: Orphanet 682, MedGen C0238357, MONDO:0008224, OMIM 170500, HP:0007215.

Allele frequency attached by ClinVar (database versions not stated): ExAC 0.00001; gnomAD exomes 0.00001; ESP Exome Variant Server 0.00008.
gnomAD v4.1: 3 of 1,613,130 alleles (0.00019%); highest among the groups gnomAD compares: African/African-American, 0.0027%; no homozygotes.

Submission:

Labcorp Genetics (formerly Invitae), Labcorp
Classification: Uncertain significance for Hyperkalemic periodic paralysis. Last evaluated: 2019-10-29. Review status: criteria provided, single submitter. Criteria: Invitae Variant Classification Sherloc (09022015). Collection method: clinical testing. Allele origin: germline.
Comment: This sequence change replaces glutamine with histidine at codon 1011 of the SCN4A protein (p.Gln1011His). The glutamine residue is highly conserved and there is a small physicochemical difference between glutamine and histidine. This variant is present in population databases (rs369874235, ExAC 0.01%). This variant has not been reported in the literature in individuals with SCN4A-related conditions. Algorithms developed to predict the effect of missense changes on protein structure and function are either unavailable or do not agree on the potential impact of this missense change (SIFT: "Deleterious"; PolyPhen-2: "Benign"; Align-GVGD: "Class C0"). In summary, the available evidence is currently insufficient to determine the role of this variant in disease. Therefore, it has been classified as a Variant of Uncertain Significance.

NM_000334.4(SCN4A):c.3033G>C (p.Gln1011His)

Genes: GH-LCR (growth hormone locus control region; plus strand), SCN4A (sodium voltage-gated channel alpha subunit 4; minus strand). Cytogenetic location: 17q23.3.
Variant type: single nucleotide variant.
Coding change: c.3033G>C on transcript NM_000334.4 (MANE Select); coding-DNA position 3033, G replaced by C.
Protein change: p.Gln1011His; replaces glutamine 1011 with histidine.
Molecular consequence: missense variant.
Genome position (GRCh38, 1-based): chr17:63,948,722, C>G on the plus strand (G>C on the coding strand, the complement: SCN4A is on the minus strand). VCF-style: chr17-63948722-C-G. GRCh37 (hg19) VCF-style: chr17-62026082-C-G.
Other names: short protein forms Q1011H.
Identifiers: ClinVar variation 936803 (VCV000936803.10), dbSNP rs369874235, ClinGen allele CA8709408.